The following is an entry in ClinVar:

ClinVar aggregate classification (germline): Uncertain significance (1 of 4 stars; one submission).

Conditions:
Inborn genetic diseases. Identifiers: MedGen C0950123, MeSH D030342.

Submission:

Ambry Genetics
Classification: Uncertain significance for Inborn genetic diseases. Last evaluated: 2021-08-13. Review status: criteria provided, single submitter. Criteria: Ambry Variant Classification Scheme 2023. Collection method: clinical testing. Allele origin: germline.
Comment: The p.T44P variant (also known as c.130A>C), located in coding exon 2 of the NPC2 gene, results from an A to C substitution at nucleotide position 130. The threonine at codon 44 is replaced by proline, an amino acid with highly similar properties. This amino acid position is conserved. In addition, the in silico prediction for this alteration is inconclusive. Since supporting evidence is limited at this time, the clinical significance of this alteration remains unclear.

NM_006432.5(NPC2):c.130A>C (p.Thr44Pro)

Gene: NPC2 (NPC intracellular cholesterol transporter 2; minus strand). Cytogenetic location: 14q24.3.
Variant type: single nucleotide variant.
Coding change: c.130A>C on transcript NM_006432.5 (MANE Select); coding-DNA position 130, A replaced by C.
Protein change: p.Thr44Pro; replaces threonine 44 with proline.
Molecular consequence: missense variant.
Genome position (GRCh38, 1-based): chr14:74,486,389, T>G on the plus strand (A>C on the coding strand, the complement: NPC2 is on the minus strand). VCF-style: chr14-74486389-T-G. GRCh37 (hg19) VCF-style: chr14-74953092-T-G.
Other names: c.130A>C, p.Thr44Pro (NM_001363688.1, NM_001375440.1); short protein forms T44P.
Identifiers: ClinVar variation 1769606 (VCV001769606.2), dbSNP rs2139670146, ClinGen allele CA390532760.
Genomic context (GRCh38, chr14:74,486,389, plus strand): 5'-TGCTGGTGAAGGTGACATTGACGCTGTAAGACTGTCCTTTGCTCAGCTGGCAGGGTTGGG[T>G]GGGGCATGGGCTCACATTCACTTCCTTTATAACTCCATCCACAGAACCTGCAAAAGAAAA-3'
Protein context (NP_006423.1, residues 34-54): IKEVNVSPCP[Thr44Pro]QPCQLSKGQS